The following is an entry in ClinVar:

ClinVar aggregate classification (germline): Benign/Likely benign. Review status: criteria provided, multiple submitters, no conflicts (2 of 4 stars). 3 submissions from 3 submitters: Benign (1); Likely benign (1). 1 of the submissions does not count toward it. Last evaluated 2025-11-25.

Conditions:
NIPBL-related disorder. Also called: NIPBL-related condition.
Cornelia de Lange syndrome 1 (CDLS1). Also called: Brachmann de Lange syndrome; NIPBL-Related Cornelia de Lange Syndrome; TYPUS DEGENERATIVUS AMSTELODAMENSIS. Identifiers: Orphanet 199, MedGen C4551851, MONDO:0007387, OMIM 122470.

Allele frequency attached by ClinVar (database versions not stated): gnomAD 0.00001; ExAC 0.00002; TOPMed 0.00002; gnomAD exomes 0.00003.
gnomAD v4.1: 10 of 1,613,714 alleles (0.00062%); highest among the groups gnomAD compares: Admixed American, 0.017%; no homozygotes.

Submissions (3):

Labcorp Genetics (formerly Invitae), Labcorp
Classification: Likely benign for Cornelia de Lange syndrome 1. Last evaluated: 2025-11-25. Review status: criteria provided, single submitter. Criteria: Invitae Variant Classification Sherloc (09022015). Collection method: clinical testing. Allele origin: germline.

Genetic Services Laboratory, University of Chicago
Classification: Benign. Last evaluated: 2013-02-08. Review status: criteria provided, single submitter. Criteria: ACMG Guidelines, 2007. Collection method: clinical testing. Allele origin: germline. Inheritance: Autosomal dominant inheritance.

PreventionGenetics, part of Exact Sciences
Classification: Likely benign for NIPBL-related condition. Last evaluated: 2024-03-11. Review status: no assertion criteria provided. Collection method: clinical testing. Allele origin: germline. Not counted in ClinVar's aggregate classification.
Comment: This variant is classified as likely benign based on ACMG/AMP sequence variant interpretation guidelines (Richards et al. 2015 PMID: 25741868, with internal and published modifications).

NM_133433.4(NIPBL):c.2451C>T (p.Asp817=)

Gene: NIPBL (NIPBL cohesin loading factor; plus strand). Cytogenetic location: 5p13.2.
Variant type: single nucleotide variant.
Coding change: c.2451C>T on transcript NM_133433.4 (MANE Select); coding-DNA position 2451, C replaced by T.
Protein change: p.Asp817=; no amino-acid change (aspartic acid 817 retained).
Molecular consequence: synonymous variant.
Genome position (GRCh38, 1-based): chr5:36,985,631, C>T. VCF-style: chr5-36985631-C-T. GRCh37 (hg19) VCF-style: chr5-36985733-C-T.
Other names: c.2451C>T, p.Asp817= (NM_015384.5).
Identifiers: ClinVar variation 159055 (VCV000159055.13), dbSNP rs587783903, ClinGen allele CA172666.